The following is an entry in ClinVar:

ClinVar aggregate classification (germline): Uncertain significance (1 of 4 stars; one submission).

Conditions:
Developmental and epileptic encephalopathy, 31A. Also called: Developmental and epileptic encephalopathy, 31; Epileptic encephalopathy, early infantile, 31. Identifiers: Orphanet 2382, MedGen C4225357, MONDO:0014598, OMIM 616346.

Submission:

Labcorp Genetics (formerly Invitae), Labcorp
Classification: Uncertain significance for Developmental and epileptic encephalopathy, 31A. Last evaluated: 2023-10-22. Review status: criteria provided, single submitter. Criteria: Invitae Variant Classification Sherloc (09022015). Collection method: clinical testing. Allele origin: germline.
Comment: This sequence change replaces alanine, which is neutral and non-polar, with threonine, which is neutral and polar, at codon 799 of the DNM1 protein (p.Ala799Thr). This variant is not present in population databases (gnomAD no frequency). This variant has not been reported in the literature in individuals affected with DNM1-related conditions. Advanced modeling of protein sequence and biophysical properties (such as structural, functional, and spatial information, amino acid conservation, physicochemical variation, residue mobility, and thermodynamic stability) performed at Invitae indicates that this missense variant is not expected to disrupt DNM1 protein function. In summary, the available evidence is currently insufficient to determine the role of this variant in disease. Therefore, it has been classified as a Variant of Uncertain Significance.

NM_004408.4(DNM1):c.2395G>A (p.Ala799Thr)

Gene: DNM1 (dynamin 1; plus strand). Cytogenetic location: 9q34.11.
Variant type: single nucleotide variant.
Coding change: c.2395G>A on transcript NM_004408.4 (MANE Select); coding-DNA position 2395, G replaced by A.
Protein change: p.Ala799Thr; replaces alanine 799 with threonine.
Molecular consequence: missense variant.
Genome position (GRCh38, 1-based): chr9:128,250,801, G>A. VCF-style: chr9-128250801-G-A. GRCh37 (hg19) VCF-style: chr9-131013080-G-A.
Other names: c.2395G>A, p.Ala799Thr (NM_001005336.3, NM_001288737.2, NM_001288738.2 and 2 more transcripts); short protein forms A799T.
Identifiers: ClinVar variation 2770574 (VCV002770574.3), dbSNP rs2539127884, ClinGen allele CA375001636.